The following is an entry in ClinVar:

ClinVar aggregate classification (germline): Pathogenic. Review status: reviewed by expert panel (3 of 4 stars). 5 submissions from 5 submitters: Pathogenic (1). 4 of the submissions do not count toward it. Last evaluated 2026-04-28.

Conditions:
ABCA4-related disorder. Also called: ABCA4-related condition; ABCA4-related disorders. Identifiers: MedGen CN239167.
Stargardt disease (FFM). Also called: Stargardt's disease; Fundus flavimaculatus. Identifiers: Orphanet 827, MedGen C0271093, MONDO:0019353.
ABCA4-related retinopathy. Also called: ABCA4-related retinoapthy; ABCA4 retinoapthy. Identifiers: MedGen CN322612, MONDO:0800406.

Allele frequency attached by ClinVar (database versions not stated): ExAC 0.00002; gnomAD exomes 0.00002 and 0.00003; TOPMed 0.00003; gnomAD 0.00004 and 0.00005; ESP Exome Variant Server 0.00008.
gnomAD v4.1: 59 of 1,613,986 alleles (0.0037%); highest among the groups gnomAD compares: Non-Finnish European, 0.0042%; no homozygotes.

Submissions (5):

ClinGen ABCA4 Variant Curation Expert Panel, Clingen
Classification: Pathogenic for ABCA4-related retinopathy. Last evaluated: 2026-04-28. Review status: reviewed by expert panel. Criteria: ClinGen ABCA4 ACMG Specifications V1.0.0. Collection method: curation. Allele origin: germline. Inheritance: Autosomal recessive inheritance.
Comment: The c.6319C>T (NM_000350.3) variant in ABCA4 is a missense variant predicted to cause substitution of arginine by cysteine at amino acid 2107; p.Arg2107Cys. The total minor allele frequency in gnomAD v4.1.0 is 0.00003656 (59/1613986 alleles), meeting PM2_Supporting (<0.0001). The computational predictor REVEL gives a score of 0.966 which is above the threshold of >0.772, meeting PP3_Moderate. The prevalence of the variant in affected individuals is significantly increased compared with the prevalence in controls with an OR of 35.7 and the CI is 8.92 - 205.21, which is above the ABCA4 VCEP threshold of ≥5, where the CI does not contain 1 (PS4; PMID: 35120629). This variant has been detected in at least 5 individuals with ABCA4-related retinopathy. Of those individuals, 4 were compound heterozygous for the variant and another pathogenic variant but they were not confirmed in trans (PMID: 31812472, PMID: 31812472, PMID: 29310964, PMID: 11527935), and 1 individual was compound heterozygous for the variant and another likely pathogenic variant that were confirmed in trans (PMID: 26377081) meeting PM3_strong. In summary, this variant meets the criteria to be classified as pathogenic for ABCA4-related retinopathy based on the ACMG/AMP criteria applied, as specified by the ClinGen ABCA4 VCEP (Specification Version 1.0.0): PM2_Supporting, PP3_Moderate, PS4, PM3_Strong.

PreventionGenetics, part of Exact Sciences
Classification: Pathogenic for ABCA4-related condition. Last evaluated: 2026-05-13. Review status: criteria provided, single submitter. Criteria: ACMG Guidelines, 2015. Collection method: clinical testing. Allele origin: germline. Not counted in ClinVar's aggregate classification.
Comment: The ABCA4 c.6319C>T variant is predicted to result in the amino acid substitution p.Arg2107Cys. This variant has been reported with a second ABCA4 variant in multiple individuals with Stargardt disease, Stargardt disease with fundus flavimaculatus, and bull's-eye maculopathy (Briggs et al. 2001. PubMed ID: 11527935; Table S1, Fujinami et al. 2018. PubMed ID: 29925512; Gupta et al. 2022. PubMed ID: 36284670; Downes et al. 2012. PubMed ID: 23143460; Pasvantis et al. 2025. PubMed ID: 40401218). This variant is reported in 0.0040% of alleles in individuals of African descent in gnomAD. The prevalence of this variant in affected individuals is significantly greater than in controls (Table S2A, Cornelis et al. 2022. PubMed ID: 35120629). This variant has been interpreted as pathogenic by the ClinGen ABCA4 Variant Curation Expert Panel. An alternate missense substitution affecting the same amino acid position (p.Arg2107His) has been reported many times to be causative for ABCA4-associated retinal disorders (see for example, Rozet et al. 1998. PubMed ID: 9781034; Riveiro-Alvarez et al. 2009. PubMed ID: 18977788; Table S1, Fujinami et al. 2018. PubMed ID: 29925512). In summary, the c.6319C>T (p.Arg2107Cys) variant is interpreted as pathogenic.

Labcorp Genetics (formerly Invitae), Labcorp
Classification: Pathogenic. Last evaluated: 2024-10-31. Review status: criteria provided, single submitter. Criteria: Invitae Variant Classification Sherloc (09022015). Collection method: clinical testing. Allele origin: germline. Not counted in ClinVar's aggregate classification.
Comment: This sequence change replaces arginine, which is basic and polar, with cysteine, which is neutral and slightly polar, at codon 2107 of the ABCA4 protein (p.Arg2107Cys). This variant is present in population databases (rs2297669, gnomAD 0.004%). This missense change has been observed in individual(s) with clinical features of ABCA4-related retinopathy (PMID: 11527935, 23143460, 29310964, 29925512, 30718709). In at least one individual the data is consistent with being in trans (on the opposite chromosome) from a pathogenic variant. It has also been observed to segregate with disease in related individuals. ClinVar contains an entry for this variant (Variation ID: 635988). Invitae Evidence Modeling of protein sequence and biophysical properties (such as structural, functional, and spatial information, amino acid conservation, physicochemical variation, residue mobility, and thermodynamic stability) indicates that this missense variant is expected to disrupt ABCA4 protein function with a positive predictive value of 95%. For these reasons, this variant has been classified as Pathogenic.

Blueprint Genetics
Classification: Pathogenic for ABCA4-related disorders. Last evaluated: 2021-11-03. Review status: criteria provided, single submitter. Criteria: ACMG Guidelines, 2015. Collection method: clinical testing. Allele origin: germline. Affected: yes. Observed: 5 variant alleles. Not counted in ClinVar's aggregate classification.

Department of Clinical Genetics, Copenhagen University Hospital, Rigshospitalet
Classification: Uncertain significance for Stargardt disease. Last evaluated: 2018-04-01. Review status: no assertion criteria provided. Collection method: research. Allele origin: unknown. Affected: yes. Study: VeluxRD. Not counted in ClinVar's aggregate classification.

Literature cited by the submitters: PubMed 11527935 (cited by Labcorp Genetics (formerly Invitae), Labcorp); PubMed 23143460 (cited by Labcorp Genetics (formerly Invitae), Labcorp); PubMed 29310964 (cited by Labcorp Genetics (formerly Invitae), Labcorp); PubMed 29925512 (cited by Labcorp Genetics (formerly Invitae), Labcorp); PubMed 30718709 (cited by Labcorp Genetics (formerly Invitae), Labcorp and Department of Clinical Genetics, Copenhagen University Hospital, Rigshospitalet).

NM_000350.3(ABCA4):c.6319C>T (p.Arg2107Cys)

Gene: ABCA4 (ATP binding cassette subfamily A member 4; minus strand). Cytogenetic location: 1p22.1.
Variant type: single nucleotide variant.
Coding change: c.6319C>T on transcript NM_000350.3 (MANE Select); coding-DNA position 6319, C replaced by T.
Protein change: p.Arg2107Cys; replaces arginine 2107 with cysteine.
Molecular consequence: missense variant.
Genome position (GRCh38, 1-based): chr1:94,001,069, G>A on the plus strand (C>T on the coding strand, the complement: ABCA4 is on the minus strand). VCF-style: chr1-94001069-G-A. GRCh37 (hg19) VCF-style: chr1-94466625-G-A.
Other names: NM_000350.3(ABCA4):c.6319C>T; p.Arg2107Cys; c.6097C>T, p.Arg2033Cys (NM_001425324.1); short protein forms R2107C, R2033C.
Identifiers: ClinVar variation 635988 (VCV000635988.13), dbSNP rs2297669, ClinGen allele CA956906.
Genomic context (GRCh38, chr1:94,001,069, plus strand): 5'-ATGTGAGGACCACAGCCCTCCCTTCTCTGATGATGCTCACGATGACGTTCCACAGCATGC[G>A]GCGTGCCTGGGGGTCCATCCCTGTGGTGGGCTCATCCTGGGGGGTGGAGAGAAGGTTGGG-3'
Protein context (NP_000341.2, residues 2097-2117): PTTGMDPQAR[Arg2107Cys]MLWNVIVSII